The following is an entry in ClinVar:

NM_000632.4(ITGAM):c.2848G>A (p.Val950Ile)

Gene: ITGAM (integrin subunit alpha M; plus strand). Cytogenetic location: 16p11.2.
Variant type: single nucleotide variant.
Coding change: c.2848G>A on transcript NM_000632.4 (MANE Select); coding-DNA position 2848, G replaced by A.
Protein change: p.Val950Ile; replaces valine 950 with isoleucine.
Molecular consequence: missense variant.
Genome position (GRCh38, 1-based): chr16:31,329,283, G>A. VCF-style: chr16-31329283-G-A. GRCh37 (hg19) VCF-style: chr16-31340604-G-A.
Other names: c.2851G>A, p.Val951Ile (NM_001145808.2); short protein forms V950I, V951I.
Identifiers: ClinVar variation 1447539 (VCV001447539.6), dbSNP rs770046547, ClinGen allele CA8025989.

ClinVar aggregate classification (germline): Uncertain significance (1 of 4 stars; one submission).

Allele frequency attached by ClinVar (database versions not stated): gnomAD exomes 0.00001 and 0.00004; ExAC 0.00002.

Submission:

Labcorp Genetics (formerly Invitae), Labcorp
Classification: Uncertain significance. Last evaluated: 2025-02-11. Review status: criteria provided, single submitter. Criteria: Invitae Variant Classification Sherloc (09022015). Collection method: clinical testing. Allele origin: germline.
Comment: This sequence change replaces valine, which is neutral and non-polar, with isoleucine, which is neutral and non-polar, at codon 950 of the ITGAM protein (p.Val950Ile). This variant is present in population databases (rs770046547, gnomAD 0.02%). This variant has not been reported in the literature in individuals affected with ITGAM-related conditions. ClinVar contains an entry for this variant (Variation ID: 1447539). An algorithm developed to predict the effect of missense changes on protein structure and function outputs the following: PolyPhen-2: "Benign". The isoleucine amino acid residue is found in multiple mammalian species, which suggests that this missense change does not adversely affect protein function. In summary, the available evidence is currently insufficient to determine the role of this variant in disease. Therefore, it has been classified as a Variant of Uncertain Significance.